The following is an entry in ClinVar:

ClinVar aggregate classification (germline): Uncertain significance (1 of 4 stars; one submission).

Conditions:
Inborn genetic diseases. Identifiers: MedGen C0950123, MeSH D030342.

Submission:

Ambry Genetics
Classification: Uncertain significance for Inborn genetic diseases. Last evaluated: 2020-01-17. Review status: criteria provided, single submitter. Criteria: Ambry Variant Classification Scheme 2023. Collection method: clinical testing. Allele origin: germline.
Comment: The p.Y199C variant (also known as c.596A>G), located in coding exon 8 of the FTSJ1 gene, results from an A to G substitution at nucleotide position 596. The tyrosine at codon 199 is replaced by cysteine, an amino acid with highly dissimilar properties. This amino acid position is highly conserved in available vertebrate species. In addition, the in silico prediction for this alteration is inconclusive. Since supporting evidence is limited at this time, the clinical significance of this alteration remains unclear.

NM_012280.4(FTSJ1):c.596A>G (p.Tyr199Cys)

Gene: FTSJ1 (FtsJ RNA 2'-O-methyltransferase 1; plus strand). Cytogenetic location: Xp11.23.
Variant type: single nucleotide variant.
Coding change: c.596A>G on transcript NM_012280.4 (MANE Select); coding-DNA position 596, A replaced by G.
Protein change: p.Tyr199Cys; replaces tyrosine 199 with cysteine.
Molecular consequence: missense variant.
Genome position (GRCh38, 1-based): chrX:48,481,656, A>G. VCF-style: chrX-48481656-A-G. GRCh37 (hg19) VCF-style: chrX-48340044-A-G.
Other names: c.185A>G, p.Tyr62Cys (NM_001282157.2); c.596A>G, p.Tyr199Cys (NM_177439.3); short protein forms Y199C, Y62C.
Identifiers: ClinVar variation 1750767 (VCV001750767.2), dbSNP rs2061570097, ClinGen allele CA412856854.